The following is an entry in ClinVar:

ClinVar aggregate classification (germline): Pathogenic/Likely pathogenic. Review status: criteria provided, multiple submitters, no conflicts (2 of 4 stars). 3 submissions from 3 submitters: Pathogenic (1); Likely pathogenic (2). Last evaluated 2025-07-02.

Conditions:
TMEM138-related disorder. Also called: TMEM138-related condition.
Joubert syndrome 16 (JBTS16). Identifiers: Orphanet 2318, MedGen C3280906, MONDO:0013764, OMIM 614465.

Submissions (3):

Labcorp Genetics (formerly Invitae), Labcorp
Classification: Pathogenic for Joubert syndrome 16. Last evaluated: 2025-07-02. Review status: criteria provided, single submitter. Criteria: Invitae Variant Classification Sherloc (09022015). Collection method: clinical testing. Allele origin: germline.
Comment: This sequence change creates a premature translational stop signal (p.Leu13Alafs*8) in the TMEM138 gene. It is expected to result in an absent or disrupted protein product. Loss-of-function variants in TMEM138 are known to be pathogenic (PMID: 26489029). This variant is present in population databases (rs751439589, gnomAD 0.003%). This variant has not been reported in the literature in individuals affected with TMEM138-related conditions. For these reasons, this variant has been classified as Pathogenic.

Fulgent Genetics
Classification: Likely pathogenic for Joubert syndrome 16. Last evaluated: 2024-03-05. Review status: criteria provided, single submitter. Criteria: ACMG Guidelines, 2015. Collection method: clinical testing. Allele origin: germline.

Blueprint Genetics
Classification: Likely pathogenic for TMEM138-related disorders. Last evaluated: 2022-06-20. Review status: criteria provided, single submitter. Criteria: ACMG Guidelines, 2015. Collection method: clinical testing. Allele origin: germline. Affected: yes. Observed: 2 variant alleles.

Literature cited by the submitters: PubMed 26489029 (cited by Labcorp Genetics (formerly Invitae), Labcorp).

NM_016464.5(TMEM138):c.37_38del (p.Leu13fs)

Gene: TMEM138 (transmembrane protein 138; plus strand). Cytogenetic location: 11q12.2.
Variant type: Microsatellite.
Coding change: c.37_38del on transcript NM_016464.5 (MANE Select); coding-DNA positions 37 to 38, 2 bases deleted (CT; older notation c.37_38delCT).
Protein change: p.Leu13fs; shifts the reading frame from leucine 13.
Molecular consequence: frameshift variant. On other transcripts: intron variant (1).
Genome position (GRCh38, 1-based): chr11:61,364,427-61,364,428, CT deleted; deleting any 2 consecutive bases within chr11:61,364,421-61,364,428 gives the same sequence; the c. name uses the placement nearest the transcript's 3' end. VCF-style (leftmost placement, unchanged base first): chr11-61364420-GCT-G. GRCh37 (hg19) VCF-style: chr11-61131892-GCT-G.
Other names: c.37_38del, p.Leu13fs (NM_001410997.1, NM_001410998.1, NM_001410999.1); c.-47+106CT[3] (NM_001330281.2); short protein forms L13fs.
Identifiers: ClinVar variation 3599796 (VCV003599796.3).